The following is an entry in ClinVar:

ClinVar aggregate classification (germline): Uncertain significance. Review status: criteria provided, multiple submitters, no conflicts (2 of 4 stars). 4 submissions from 4 submitters: Uncertain significance (3). 1 of the submissions does not count toward it. Last evaluated 2023-01-10.

Conditions:
Hereditary cancer-predisposing syndrome. Also called: Tumor predisposition; Neoplastic Syndromes, Hereditary; Hereditary Cancer Syndrome; Hereditary neoplastic syndrome. Identifiers: Orphanet 140162, MedGen C0027672, MeSH D009386, MONDO:0015356.
Hereditary breast ovarian cancer syndrome. Also called: Hereditary breast and ovarian cancer syndrome (HBOC); Hereditary breast and ovarian cancer syndrome; Hereditary breast and ovarian cancer; Hereditary breast and/or ovarian cancer syndrome; Breast and ovarian cancer; BRCA1- and BRCA2-Associated Hereditary Breast and Ovarian Cancer. Identifiers: Orphanet 145, MedGen C0677776, MeSH D061325, MONDO:0003582. Disease mechanism: loss of function.
Breast-ovarian cancer, familial, susceptibility to, 1 (BROVCA1). Also called: OVARIAN CANCER, SUSCEPTIBILITY TO; BRCA1 Hereditary Breast and Ovarian Cancer. Identifiers: Orphanet 145, MedGen C2676676, MONDO:0011450, OMIM 604370. Disease mechanism: loss of function.

Submissions (5):

Labcorp Genetics (formerly Invitae), Labcorp
Classification: Uncertain significance for Hereditary breast ovarian cancer syndrome. Last evaluated: 2023-01-10. Review status: criteria provided, single submitter. Criteria: Invitae Variant Classification Sherloc (09022015). Collection method: clinical testing. Allele origin: germline.
Comment: In summary, the available evidence is currently insufficient to determine the role of this variant in disease. Therefore, it has been classified as a Variant of Uncertain Significance. Advanced modeling performed at Invitae incorporating data from internal and/or published experimental studies (PMID: 30209399) indicates that this missense variant is expected to disrupt BRCA1 function. ClinVar contains an entry for this variant (Variation ID: 54444). This missense change has been observed in individual(s) with breast and/or ovarian cancer (PMID: 17221156). This variant is not present in population databases (gnomAD no frequency). This sequence change replaces isoleucine, which is neutral and non-polar, with lysine, which is basic and polar, at codon 68 of the BRCA1 protein (p.Ile68Lys).

Women's Health and Genetics/Laboratory Corporation of America, LabCorp
Classification: Uncertain significance. Last evaluated: 2021-09-04. Review status: criteria provided, single submitter. Criteria: LabCorp Variant Classification Summary - May 2015. Collection method: clinical testing. Allele origin: germline.
Comment: Variant summary: BRCA1 c.203T>A (p.Ile68Lys) results in a non-conservative amino acid change in the encoded protein sequence. Five of five in-silico tools predict a damaging effect of the variant on protein function. The variant was absent in 250482 control chromosomes. The available data on variant occurrences in the general population are insufficient to allow any conclusion about variant significance. c.203T>A has been reported in the literature as a VUS in individuals affected with breast cancer (example, Judkins_2005, Russo_2007, Gao_2020). These report(s) do not provide unequivocal conclusions about association of the variant with Hereditary Breast And Ovarian Cancer Syndrome. Multiple publications report conflicting experimental evidence evaluating an impact on protein function. The most pronounced variant effect results in a loss of Homology Directed Repair (HDR) activity (Findlay_2018) whereas earlier studies reported proficient HDR activity, proficient BARD binding, defective E3 ligase activity and UbcH5a binding (Morris_2006, Starita_2015). Furthermore, studies reporting BRCA1 tumor suppression being dependent on the ablation of phosphoprotein binding but not on its E3 ligase activity pose a challenge in using this as a measure of molecular pathogenesis in-vivo (Shakya_BRCA1_2011). One clinical diagnostic laboratory has submitted clinical-significance assessments for this variant to ClinVar after 2014 without evidence for independent evaluation and classified the variant as uncertain significance. Based on the evidence outlined above, the variant was classified as uncertain significance.

Color Diagnostics, LLC DBA Color Health
Classification: Uncertain significance for Hereditary cancer-predisposing syndrome. Last evaluated: 2019-10-01. Review status: criteria provided, single submitter. Criteria: ACMG Guidelines, 2015. Collection method: clinical testing. Allele origin: germline.
Comment: This missense variant replaces isoleucine with lysine at codon 68 of the BRCA1 protein. Computational prediction suggests that this variant may have deleterious impact on protein structure and function (internally defined REVEL score threshold >= 0.7, PMID: 27666373). Splice site prediction tools suggest that this variant may not impact RNA splicing. Functional studies had contradictory findings for this variant, reporting normal homology-directed DNA repair (PMID: 25823446) but loss-of-function in a haploid cell proliferation assay and ubiquitin E2 ligase binding and ligase activity in vitro (PMID: 30209399, 16403807). This variant has been analyzed by multifactorial analysis and classified as a variant of uncertain significance (PMID: 31131967). This variant has been reported in an individual affected with breast and/or ovarian cancer (PMID: 17221156). This variant has not been identified in the general population by the Genome Aggregation Database (gnomAD). The available evidence is insufficient to determine the role of this variant in disease conclusively. Therefore, this variant is classified as a Variant of Uncertain Significance.

Breast Cancer Information Core (BIC) (BRCA1)
Classification: Uncertain significance for Breast-ovarian cancer, familial 1. Review status: no assertion criteria provided. Collection method: clinical testing. Allele origin: germline. Affected: yes. Observed: 1 variant allele. Not counted in ClinVar's aggregate classification.

Brotman Baty Institute, University of Washington
No classification provided (evidence only). Condition: Breast-ovarian cancer, familial 1. Review status: no classification provided. Collection method: in vitro. Allele origin: not applicable. Functional consequence: functionally_abnormal. Not counted in ClinVar's aggregate classification.
ClinVar note: "not provided" was previously submitted as the classification for the variant. However, the classification appeared to be based only on an observation of functional data so it was converted to no classification on 2025-07-30.

Literature cited by the submitters: PubMed 30209399 (cited by Labcorp Genetics (formerly Invitae), Labcorp and Women's Health and Genetics/Laboratory Corporation of America, LabCorp); PubMed 17221156 (cited by Labcorp Genetics (formerly Invitae), Labcorp and Women's Health and Genetics/Laboratory Corporation of America, LabCorp); PubMed 16267036 (cited by Women's Health and Genetics/Laboratory Corporation of America, LabCorp); PubMed 15235020 (cited by Women's Health and Genetics/Laboratory Corporation of America, LabCorp); PubMed 16403807 (cited by Women's Health and Genetics/Laboratory Corporation of America, LabCorp); PubMed 25823446 (cited by Women's Health and Genetics/Laboratory Corporation of America, LabCorp); PubMed 31825140 (cited by Women's Health and Genetics/Laboratory Corporation of America, LabCorp).

NM_007294.4(BRCA1):c.203T>A (p.Ile68Lys)

Gene: BRCA1 (BRCA1 DNA repair associated; minus strand). Cytogenetic location: 17q21.31.
Variant type: single nucleotide variant.
Coding change: c.203T>A on transcript NM_007294.4 (MANE Select); coding-DNA position 203, T replaced by A.
Protein change: p.Ile68Lys; replaces isoleucine 68 with lysine.
Molecular consequence: missense variant.
Genome position (GRCh38, 1-based): chr17:43,106,465, A>T on the plus strand (T>A on the coding strand, the complement: BRCA1 is on the minus strand). VCF-style: chr17-43106465-A-T. GRCh37 (hg19) VCF-style: chr17-41258482-A-T.
Other names: c.62T>A, p.Ile21Lys (NM_001407843.1, NM_001407844.1, NM_001407845.1 and 99 more transcripts); c.203T>A, p.Ile68Lys (NM_001407854.1, NM_001407858.1, NM_001407859.1 and 168 more transcripts); short protein forms I68K, I21K.
Identifiers: ClinVar variation 54444 (VCV000054444.13), dbSNP rs80357116, ClinGen allele CA001356.